The following is an entry in ClinVar:

ClinVar aggregate classification (germline): Pathogenic (1 of 4 stars; one submission).

Conditions:
Hereditary diffuse gastric adenocarcinoma (HDGC). Also called: DIFFUSE GASTRIC AND LOBULAR BREAST CANCER SYNDROME. Identifiers: Orphanet 26106, MedGen C1708349, MONDO:0007648, OMIM 137215.

Submission:

Myriad Genetics, Inc.
Classification: Pathogenic for Hereditary diffuse gastric adenocarcinoma. Last evaluated: 2023-06-12. Review status: criteria provided, single submitter. Criteria: Myriad Autosomal Dominant, Autosomal Recessive and X-Linked Classification Criteria (2023). Collection method: clinical testing. Allele origin: unknown.
Comment: This variant is considered pathogenic. This variant creates a termination codon and is predicted to result in premature protein truncation.

NM_004360.5(CDH1):c.888C>G (p.Tyr296Ter)

Gene: CDH1 (cadherin 1; plus strand). Cytogenetic location: 16q22.1.
Variant type: single nucleotide variant.
Coding change: c.888C>G on transcript NM_004360.5 (MANE Select); coding-DNA position 888, C replaced by G.
Protein change: p.Tyr296Ter; replaces tyrosine 296 with a stop codon.
Molecular consequence: nonsense. On other transcripts: 5 prime UTR variant (2).
Genome position (GRCh38, 1-based): chr16:68,811,739, C>G. VCF-style: chr16-68811739-C-G. GRCh37 (hg19) VCF-style: chr16-68845642-C-G.
Other names: c.888C>G, p.Tyr296Ter (NM_001317184.2); c.-728C>G (NM_001317185.2); c.-932C>G (NM_001317186.2); short protein forms Y296*.
Identifiers: ClinVar variation 2584234 (VCV002584234.2), dbSNP rs895188181, ClinGen allele CA396459654.